The following is an entry in ClinVar:

ClinVar aggregate classification (germline): Pathogenic (1 of 4 stars; one submission).

Conditions:
Early-infantile DEE. Also called: Early infantile epileptic encephalopathy; Early infantile epileptic encephalopathy with suppression bursts; Ohtahara syndrome. Identifiers: Orphanet 1934, MedGen C0393706, MONDO:0800491.

Submission:

Labcorp Genetics (formerly Invitae), Labcorp
Classification: Pathogenic for Early-infantile DEE. Last evaluated: 2021-08-17. Review status: criteria provided, single submitter. Criteria: Invitae Variant Classification Sherloc (09022015). Collection method: clinical testing. Allele origin: germline.
Comment: ClinVar contains an entry for this variant (Variation ID: 859315). For these reasons, this variant has been classified as Pathogenic. This variant disrupts the p.Leu378 amino acid residue in SCN1A. Other variant(s) that disrupt this residue have been determined to be pathogenic (PMID: 18930999). This suggests that this residue is clinically significant, and that variants that disrupt this residue are likely to be disease-causing. Advanced modeling of protein sequence and biophysical properties (such as structural, functional, and spatial information, amino acid conservation, physicochemical variation, residue mobility, and thermodynamic stability) performed at Invitae indicates that this missense variant is expected to disrupt SCN1A protein function. This variant has been observed in individual(s) with Dravet syndrome (Invitae). This variant is not present in population databases (ExAC no frequency). This sequence change replaces leucine with proline at codon 378 of the SCN1A protein (p.Leu378Pro). The leucine residue is highly conserved and there is a moderate physicochemical difference between leucine and proline.

Literature cited by the submitters: PubMed 18930999.

NM_001165963.4(SCN1A):c.1133T>C (p.Leu378Pro)

Gene: SCN1A (sodium voltage-gated channel alpha subunit 1; minus strand). Cytogenetic location: 2q24.3.
Variant type: single nucleotide variant.
Coding change: c.1133T>C on transcript NM_001165963.4 (MANE Select); coding-DNA position 1133, T replaced by C.
Protein change: p.Leu378Pro; replaces leucine 378 with proline.
Molecular consequence: missense variant. On other transcripts: 5 prime UTR variant (1), non-coding transcript variant (1).
Genome position (GRCh38, 1-based): chr2:166,047,664, A>G on the plus strand (T>C on the coding strand, the complement: SCN1A is on the minus strand). VCF-style: chr2-166047664-A-G. GRCh37 (hg19) VCF-style: chr2-166904174-A-G.
Other names: c.1133T>C, p.Leu378Pro (NM_001165964.3, NM_001202435.3, NM_001353948.2 and 10 more transcripts); c.-1293T>C (NM_001353961.2); short protein forms L378P.
Identifiers: ClinVar variation 859315 (VCV000859315.10), dbSNP rs1698003832, ClinGen allele CA349071148.